The following is an entry in ClinVar:

ClinVar aggregate classification (germline): Conflicting classifications of pathogenicity. Review status: criteria provided, conflicting classifications (1 of 4 stars). 3 submissions from 3 submitters: Uncertain significance (1); Benign (1); Likely benign (1). Last evaluated 2025-06-10.

Conditions:
Tuberous sclerosis 2 (TSC2). Identifiers: Orphanet 805, MedGen C1860707, MONDO:0013199, OMIM 613254.
Hereditary cancer-predisposing syndrome. Also called: Neoplastic Syndromes, Hereditary; Tumor predisposition; Hereditary Cancer Syndrome; Hereditary neoplastic syndrome. Identifiers: Orphanet 140162, MedGen C0027672, MeSH D009386, MONDO:0015356.
Tuberous sclerosis syndrome (TSC). Also called: Tuberous Sclerosis Complex; Tuberous sclerosis. Identifiers: Orphanet 805, MedGen C0041341, MONDO:0001734.

Allele frequency attached by ClinVar (database versions not stated): gnomAD exomes 0.00001; TOPMed 0.00001; ExAC 0.00003.
gnomAD v4.1: 11 of 1,598,648 alleles (0.00069%); highest among the groups gnomAD compares: South Asian, 0.0033%; no homozygotes.

Submissions (3):

Ambry Genetics
Classification: Uncertain significance for Hereditary cancer-predisposing syndrome. Last evaluated: 2025-06-10. Review status: criteria provided, single submitter. Criteria: Ambry Variant Classification Scheme 2023. Collection method: clinical testing. Allele origin: germline.
Comment: The p.T1485I variant (also known as c.4454C>T), located in coding exon 33 of the TSC2 gene, results from a C to T substitution at nucleotide position 4454. The threonine at codon 1485 is replaced by isoleucine, an amino acid with similar properties. This amino acid position is conserved. In addition, the in silico prediction for this alteration is inconclusive. Since supporting evidence is limited at this time, the clinical significance of this alteration remains unclear.

Labcorp Genetics (formerly Invitae), Labcorp
Classification: Benign for Tuberous sclerosis 2. Last evaluated: 2024-10-26. Review status: criteria provided, single submitter. Criteria: Invitae Variant Classification Sherloc (09022015). Collection method: clinical testing. Allele origin: germline.

All of Us Research Program, National Institutes of Health
Classification: Likely benign for Tuberous sclerosis syndrome. Last evaluated: 2023-07-22. Review status: criteria provided, single submitter. Criteria: ACMG Guidelines, 2015. Collection method: clinical testing. Allele origin: germline. Inheritance: Autosomal dominant inheritance. Observed: 1 variant allele, 1 heterozygote.
Comment: This study involves interpretation of variants in research participants for the purpose of population health screening. Participant phenotype was not available at the time of variant classification. Additional details can be found in publication PMID: 35346344, PMCID: PMC8962531

NM_000548.5(TSC2):c.4454C>T (p.Thr1485Ile)

Gene: TSC2 (TSC complex subunit 2; plus strand). Cytogenetic location: 16p13.3.
Variant type: single nucleotide variant.
Coding change: c.4454C>T on transcript NM_000548.5 (MANE Select); coding-DNA position 4454, C replaced by T.
Protein change: p.Thr1485Ile; replaces threonine 1485 with isoleucine.
Molecular consequence: missense variant.
Genome position (GRCh38, 1-based): chr16:2,084,676, C>T. VCF-style: chr16-2084676-C-T. GRCh37 (hg19) VCF-style: chr16-2134677-C-T.
Other names: c.4253C>T, p.Thr1418Ile (NM_001077183.3); c.4385C>T, p.Thr1462Ile (NM_001114382.3); c.4145C>T, p.Thr1382Ile (NM_001318827.2); c.4109C>T, p.Thr1370Ile (NM_001318829.2); c.3722C>T, p.Thr1241Ile (NM_001318831.2); c.4286C>T, p.Thr1429Ile (NM_001318832.2); c.4256C>T, p.Thr1419Ile (NM_001363528.2); c.4322C>T, p.Thr1441Ile (NM_001370404.1); and 1 more; short protein forms T1485I, T1370I, T1418I, T1419I, T1441I, T1442I, T1382I, T1241I.
Identifiers: ClinVar variation 535928 (VCV000535928.15), dbSNP rs772667717, ClinGen allele CA051214.